The following is an entry in ClinVar:

NC_000002.12:g.29189528C>T

Gene: CLIP4 (CAP-Gly domain containing linker protein family member 4; plus strand). Cytogenetic location: 2p23.2.
Variant type: single nucleotide variant.
Genome position: GRCh38 VCF-style: chr2-29189528-C-T. GRCh37 (hg19) VCF-style: chr2-29412394-C-T.
Identifiers: ClinVar variation 2650788 (VCV002650788.24), dbSNP rs79476628, ClinGen allele CA1593439.

ClinVar aggregate classification (germline): Benign (1 of 4 stars; one submission).

Allele frequency attached by ClinVar (database versions not stated): 1000 Genomes Project 0.00339; 1000 Genomes Project 30x 0.00375; ExAC 0.00773; TOPMed 0.00792; gnomAD 0.00809.

Submission:

CeGaT Center for Human Genetics Tuebingen
Classification: Benign. Last evaluated: 2023-06-01. Review status: criteria provided, single submitter. Criteria: CeGaT Center For Human Genetics Tuebingen Variant Classification Criteria Version 2. Collection method: clinical testing. Allele origin: germline. Affected: yes. Observed: 11 variant alleles.
Comment: CLIP4: BS1, BS2